The following is an entry in ClinVar:

ClinVar aggregate classification (germline): Uncertain significance (1 of 4 stars; one submission).

Conditions:
Hypertrophic cardiomyopathy. Also called: HYPERTROPHIC MYOCARDIOPATHY. Identifiers: Orphanet 217569, MedGen C0007194, MeSH D002312, MONDO:0005045, HP:0001639.

Submission:

Labcorp Genetics (formerly Invitae), Labcorp
Classification: Uncertain significance for Hypertrophic cardiomyopathy. Last evaluated: 2024-01-31. Review status: criteria provided, single submitter. Criteria: Invitae Variant Classification Sherloc (09022015). Collection method: clinical testing. Allele origin: germline.
Comment: This sequence change replaces leucine, which is neutral and non-polar, with phenylalanine, which is neutral and non-polar, at codon 447 of the MYBPC3 protein (p.Leu447Phe). This variant is not present in population databases (gnomAD no frequency). This variant has not been reported in the literature in individuals affected with MYBPC3-related conditions. ClinVar contains an entry for this variant (Variation ID: 582272). An algorithm developed to predict the effect of missense changes on protein structure and function (PolyPhen-2) suggests that this variant is likely to be disruptive. In summary, the available evidence is currently insufficient to determine the role of this variant in disease. Therefore, it has been classified as a Variant of Uncertain Significance.

NM_000256.3(MYBPC3):c.1339C>T (p.Leu447Phe)

Gene: MYBPC3 (myosin binding protein C3; minus strand). Cytogenetic location: 11p11.2.
Variant type: single nucleotide variant.
Coding change: c.1339C>T on transcript NM_000256.3 (MANE Select); coding-DNA position 1339, C replaced by T.
Protein change: p.Leu447Phe; replaces leucine 447 with phenylalanine.
Molecular consequence: missense variant.
Genome position (GRCh38, 1-based): chr11:47,343,033, G>A on the plus strand (C>T on the coding strand, the complement: MYBPC3 is on the minus strand). VCF-style: chr11-47343033-G-A. GRCh37 (hg19) VCF-style: chr11-47364584-G-A.
Other names: c.1339C>T, p.Leu447Phe (LRG_386t1); short protein forms L447F.
Identifiers: ClinVar variation 582272 (VCV000582272.8), dbSNP rs1565628175, ClinGen allele CA380326748.